The following is an entry in ClinVar:

NM_003896.4(ST3GAL5):c.167A>G (p.Lys56Arg)

Gene: ST3GAL5 (ST3 beta-galactoside alpha-2,3-sialyltransferase 5; minus strand). Cytogenetic location: 2p11.2.
Variant type: single nucleotide variant.
Coding change: c.167A>G on transcript NM_003896.4 (MANE Select); coding-DNA position 167, A replaced by G.
Protein change: p.Lys56Arg; replaces lysine 56 with arginine.
Molecular consequence: missense variant. On other transcripts: 5 prime UTR variant (5).
Genome position (GRCh38, 1-based): chr2:85,863,401, T>C on the plus strand (A>G on the coding strand, the complement: ST3GAL5 is on the minus strand). VCF-style: chr2-85863401-T-C. GRCh37 (hg19) VCF-style: chr2-86090524-T-C.
Other names: c.-799A>G (NM_001354234.1); c.83A>G, p.Lys28Arg (NM_001354238.1, NM_001354227.2, NM_001354229.2); c.167A>G, p.Lys56Arg (NM_001363847.1); c.98A>G, p.Lys33Arg (NM_001042437.2); c.-395A>G (NM_001354223.2, NM_001354226.2); c.-458A>G (NM_001354224.2); c.-835A>G (NM_001354233.2); c.167A>G (NM_003896.3); short protein forms K28R, K33R, K56R.
Identifiers: ClinVar variation 1047635 (VCV001047635.7), dbSNP rs1336784366, ClinGen allele CA347534870.

ClinVar aggregate classification (germline): Uncertain significance. Review status: criteria provided, multiple submitters, no conflicts (2 of 4 stars). 2 submissions from 2 submitters: Uncertain significance (2). Last evaluated 2022-12-21.

Conditions:
GM3 synthase deficiency (SPDRS). Also called: AMISH INFANTILE EPILEPSY SYNDROME; SALT AND PEPPER MENTAL RETARDATION SYNDROME; SALT AND PEPPER DEVELOPMENTAL REGRESSION SYNDROME. Identifiers: Orphanet 171714, Orphanet 370933, MedGen C1836824, MONDO:0018274, OMIM 609056.
Inborn genetic diseases. Identifiers: MedGen C0950123, MeSH D030342.

Allele frequency attached by ClinVar (database versions not stated): gnomAD exomes below 0.00001.
gnomAD v4.1: 3 of 1,614,260 alleles (0.00019%); highest among the groups gnomAD compares: Middle Eastern, 0.017%; no homozygotes.

Submissions (2):

Ambry Genetics
Classification: Uncertain significance for Inborn genetic diseases. Last evaluated: 2022-12-21. Review status: criteria provided, single submitter. Criteria: Ambry Variant Classification Scheme 2023. Collection method: clinical testing. Allele origin: germline.

Labcorp Genetics (formerly Invitae), Labcorp
Classification: Uncertain significance for GM3 synthase deficiency. Last evaluated: 2021-09-01. Review status: criteria provided, single submitter. Criteria: Invitae Variant Classification Sherloc (09022015). Collection method: clinical testing. Allele origin: germline.
Comment: This sequence change replaces lysine with arginine at codon 56 of the ST3GAL5 protein (p.Lys56Arg). The lysine residue is highly conserved and there is a small physicochemical difference between lysine and arginine. This variant is not present in population databases (ExAC no frequency). This variant has not been reported in the literature in individuals affected with ST3GAL5-related conditions. Algorithms developed to predict the effect of missense changes on protein structure and function are either unavailable or do not agree on the potential impact of this missense change (SIFT: "Deleterious"; PolyPhen-2: "Benign"; Align-GVGD: "Class C0"). In summary, the available evidence is currently insufficient to determine the role of this variant in disease. Therefore, it has been classified as a Variant of Uncertain Significance.